The following is an entry in ClinVar:

NM_000218.3(KCNQ1):c.1514+5G>A

Genes: KCNQ1 (potassium voltage-gated channel subfamily Q member 1; plus strand), KCNQ1OT1 (KCNQ1 opposite strand/antisense transcript 1; minus strand). Cytogenetic location: 11p15.5.
Variant type: single nucleotide variant.
Coding change: c.1514+5G>A on transcript NM_000218.3 (MANE Select); 5 bases into the intron after coding-DNA position 1514, G replaced by A.
Molecular consequence: intron variant.
Genome position (GRCh38, 1-based): chr11:2,662,086, G>A. VCF-style: chr11-2662086-G-A. GRCh37 (hg19) VCF-style: chr11-2683316-G-A.
Other names: c.1244+5G>A (NM_001406837.1); c.1418+5G>A (NM_001406836.1); c.974+5G>A (NM_001406838.1); c.1133+5G>A (NM_181798.2).
Identifiers: ClinVar variation 1332299 (VCV001332299.5), dbSNP rs2133856267, ClinGen allele CA472236345.
Genomic context (GRCh38, chr11:2,662,086, plus strand): 5'-GAGGACCTGGACCTGGAAGGGGAGACTCTGCTGACACCCATCACCCACATCTCACAGTGA[G>A]TGCCTACATGTGCGTGAAGGGCTGGGCTGGAGGGGACTGGAGCTCAAGGAGTCAGACTTG-3'

ClinVar aggregate classification (germline): Uncertain significance (1 of 4 stars; one submission).

Conditions:
Cardiac arrhythmia. Also called: Arrhythmia; Cardiac rhythm disease. Identifiers: MedGen C0003811, MONDO:0007263, HP:0011675.

Submission:

Color Diagnostics, LLC DBA Color Health
Classification: Uncertain significance for Cardiac arrhythmia. Last evaluated: 2021-07-06. Review status: criteria provided, single submitter. Criteria: ACMG Guidelines, 2015. Collection method: clinical testing. Allele origin: germline.
Comment: This variant causes a G to A nucleotide substitution at the +5 position of intron 11 of the KCNQ1 gene. Splice site prediction tools predict that this variant may have a significant impact on RNA splicing. However, this prediction has not been confirmed in published RNA studies. This variant has not been reported in individuals affected with cardiovascular disorders in the literature. This variant has not been identified in the general population by the Genome Aggregation Database (gnomAD). The available evidence is insufficient to determine the role of this variant in disease conclusively. Therefore, this variant is classified as a Variant of Uncertain Significance.